The following is an entry in ClinVar:

NM_014018.3(MRPS28):c.126C>T (p.Ala42=)

Genes: MRPS28 (mitochondrial ribosomal protein S28; minus strand), TPD52-MRPS28 (TPD52-MRPS28 readthrough; minus strand), LOC130000644 (ATAC-STARR-seq lymphoblastoid active region 27552; plus strand). Cytogenetic location: 8q21.13.
Variant type: single nucleotide variant.
Coding change: c.126C>T on transcript NM_014018.3 (MANE Select); coding-DNA position 126, C replaced by T.
Protein change: p.Ala42=; no amino-acid change (alanine 42 retained).
Molecular consequence: synonymous variant. On other transcripts: intron variant (1).
Genome position (GRCh38, 1-based): chr8:80,030,123, G>A on the plus strand (C>T on the coding strand, the complement: MRPS28 is on the minus strand). VCF-style: chr8-80030123-G-A. GRCh37 (hg19) VCF-style: chr8-80942358-G-A.
Other names: c.435+12497C>T (NM_001387778.1).
Identifiers: ClinVar variation 4981163 (VCV004981163.1).
Genomic context (GRCh38, chr8:80,030,123, plus strand): 5'-AAGCTCCGAGTGCCGCTCCAACGCGCTCGCGAAACCGCCTGCGCGCGTCTTAGGCTCCTT[G>A]GCATTGGAACTACCACTTTCGGATCCACTCTCAGTGCCTACACCCCGAAAGGGCCTGAAG-3'
Protein context (NP_054737.1, residues 32-52): ESGSESGSSN[Ala42=]KEPKTRAGGF

ClinVar aggregate classification (germline): Likely benign (1 of 4 stars; one submission).

Conditions:
MRPS28-related disorder. Also called: MRPS28-related condition.

Submission:

PreventionGenetics, part of Exact Sciences
Classification: Likely benign for MRPS28-related condition. Last evaluated: 2024-12-20. Review status: criteria provided, single submitter. Criteria: ACMG Guidelines, 2015. Collection method: clinical testing. Allele origin: germline.
Comment: This variant is classified as likely benign based on ACMG/AMP sequence variant interpretation guidelines (Richards et al. 2015 PMID: 25741868, with internal and published modifications).